The following is an entry in ClinVar:

ClinVar aggregate classification (germline): Pathogenic (1 of 4 stars; one submission).

Conditions:
Familial adenomatous polyposis 1 (FAP1). Also called: FAMILIAL ADENOMATOUS POLYPOSIS 1, ATTENUATED; POLYPOSIS, ADENOMATOUS INTESTINAL. Identifiers: MedGen C2713442, MONDO:0021056, OMIM 175100. Disease mechanism: loss of function.

Submission:

Myriad Genetics, Inc.
Classification: Pathogenic for Familial adenomatous polyposis 1. Last evaluated: 2023-05-02. Review status: criteria provided, single submitter. Criteria: Myriad Autosomal Dominant, Autosomal Recessive and X-Linked Classification Criteria (2023). Collection method: clinical testing. Allele origin: unknown.
Comment: This variant is considered pathogenic. This variant creates a frameshift predicted to result in premature protein truncation.

NM_000038.6(APC):c.1599_1600insGGCTACGCTATGCTCTATGAAAGGCTGCATGAAGAGCCTTGTGCGCCAACTA (p.Lys534fs)

Gene: APC (APC regulator of Wnt signaling pathway; plus strand). Cytogenetic location: 5q22.2.
Variant type: Insertion.
Coding change: c.1599_1600insGGCTACGCTATGCTCTATGAAAGGCTGCATGAAGAGCCTTGTGCGCCAACTA on transcript NM_000038.6 (MANE Select); coding-DNA positions 1599 to 1600, GGCTACGCTATGCTCTATGAAAGGCTGCATGAAGAGCCTTGTGCGCCAACTA inserted.
Protein change: p.Lys534fs; shifts the reading frame from lysine 534.
Molecular consequence: frameshift variant.
Genome position: GRCh38: chr5:112,827,979-112,827,980. GRCh37 (hg19): chr5:112,163,676-112,163,677.
Other names: c.1599_1600insGGCTACGCTATGCTCTATGAAAGGCTGCATGAAGAGCCTTGTGCGCCAACTA, p.Lys534fs (NM_001127510.3, NM_001354895.2, NM_001407450.1); c.1545_1546insGGCTACGCTATGCTCTATGAAAGGCTGCATGAAGAGCCTTGTGCGCCAACTA, p.Lys516fs (NM_001127511.3); c.1653_1654insGGCTACGCTATGCTCTATGAAAGGCTGCATGAAGAGCCTTGTGCGCCAACTA, p.Lys552fs (NM_001354896.2, NM_001407447.1, NM_001407448.1 and 1 more transcripts); c.1629_1630insGGCTACGCTATGCTCTATGAAAGGCTGCATGAAGAGCCTTGTGCGCCAACTA, p.Lys544fs (NM_001354897.2); c.1524_1525insGGCTACGCTATGCTCTATGAAAGGCTGCATGAAGAGCCTTGTGCGCCAACTA, p.Lys509fs (NM_001354898.2); c.1515_1516insGGCTACGCTATGCTCTATGAAAGGCTGCATGAAGAGCCTTGTGCGCCAACTA, p.Lys506fs (NM_001354899.2); c.1476_1477insGGCTACGCTATGCTCTATGAAAGGCTGCATGAAGAGCCTTGTGCGCCAACTA, p.Lys493fs (NM_001354900.2); c.1422_1423insGGCTACGCTATGCTCTATGAAAGGCTGCATGAAGAGCCTTGTGCGCCAACTA, p.Lys475fs (NM_001354901.2, NM_001407453.1); and 11 more; short protein forms K150fs, K251fs, K374fs, K405fs, K408fs, K433fs, K443fs, K451fs.
Identifiers: ClinVar variation 2584105 (VCV002584105.1), dbSNP rs2533220691, ClinGen allele CA2582341369.